The following is an entry in ClinVar:

NM_001004334.4(GPR179):c.17C>T (p.Ala6Val)

Gene: GPR179 (G protein-coupled receptor 179; minus strand). Cytogenetic location: 17q12.
Variant type: single nucleotide variant.
Coding change: c.17C>T on transcript NM_001004334.4 (MANE Select); coding-DNA position 17, C replaced by T.
Protein change: p.Ala6Val; replaces alanine 6 with valine.
Molecular consequence: missense variant.
Genome position (GRCh38, 1-based): chr17:38,343,773, G>A on the plus strand (C>T on the coding strand, the complement: GPR179 is on the minus strand). VCF-style: chr17-38343773-G-A. GRCh37 (hg19) VCF-style: chr17-36499656-G-A.
Other names: c.17C>T (NM_001004334.2); short protein forms A6V.
Identifiers: ClinVar variation 1396653 (VCV001396653.6), dbSNP rs758334393, ClinGen allele CA290111986.
Genomic context (GRCh38, chr17:38,343,773, plus strand): 5'-AGAGCCCAGGCACAGACAAAACAGCAGCCCAGCAGCCCCCACATAGGAGGGGGCATGACC[G>A]CTCCCCTGGTGCCCATCCTTGGGGCAGCTCTCAGGACCCTGGGGTCCAGGCTCAGGAGAG-3'
Protein context (NP_001004334.3, residues 1-16): MGTRG[Ala6Val]VMPPPMWGLL

ClinVar aggregate classification (germline): Conflicting classifications of pathogenicity. Review status: criteria provided, conflicting classifications (1 of 4 stars). 3 submissions from 3 submitters: Uncertain significance (2); Likely benign (1). Last evaluated 2024-08-08.

Conditions:
Inborn genetic diseases. Identifiers: MedGen C0950123, MeSH D030342.

Allele frequency attached by ClinVar (database versions not stated): gnomAD exomes 0.00004 and 0.00010; ExAC 0.00005; gnomAD 0.00005; TOPMed 0.00005.
gnomAD v4.1: 139 of 1,515,994 alleles (0.0092%); highest among the groups gnomAD compares: Non-Finnish European, 0.012%; no homozygotes.

Submissions (3):

Blueprint Genetics
Classification: Uncertain significance. Last evaluated: 2024-08-08. Review status: criteria provided, single submitter. Criteria: ACMG Guidelines, 2015. Collection method: clinical testing. Allele origin: germline.

Labcorp Genetics (formerly Invitae), Labcorp
Classification: Uncertain significance. Last evaluated: 2024-03-04. Review status: criteria provided, single submitter. Criteria: Invitae Variant Classification Sherloc (09022015). Collection method: clinical testing. Allele origin: germline.
Comment: This sequence change replaces alanine, which is neutral and non-polar, with valine, which is neutral and non-polar, at codon 6 of the GPR179 protein (p.Ala6Val). This variant is present in population databases (rs758334393, gnomAD 0.007%). This variant has not been reported in the literature in individuals affected with GPR179-related conditions. ClinVar contains an entry for this variant (Variation ID: 1396653). Algorithms developed to predict the effect of missense changes on protein structure and function output the following: SIFT: "Not Available"; PolyPhen-2: "Benign"; Align-GVGD: "Not Available". The valine amino acid residue is found in multiple mammalian species, which suggests that this missense change does not adversely affect protein function. In summary, the available evidence is currently insufficient to determine the role of this variant in disease. Therefore, it has been classified as a Variant of Uncertain Significance.

Ambry Genetics
Classification: Likely benign for Inborn genetic diseases. Last evaluated: 2022-06-29. Review status: criteria provided, single submitter. Criteria: Ambry Variant Classification Scheme 2023. Collection method: clinical testing. Allele origin: germline.